The following is an entry in ClinVar:

NM_000104.4(CYP1B1):c.1169G>A (p.Arg390His)

Gene: CYP1B1 (cytochrome P450 family 1 subfamily B member 1; minus strand). Cytogenetic location: 2p22.2.
Variant type: single nucleotide variant.
Coding change: c.1169G>A on transcript NM_000104.4 (MANE Select); coding-DNA position 1169, G replaced by A.
Protein change: p.Arg390His; replaces arginine 390 with histidine.
Molecular consequence: missense variant.
Genome position (GRCh38, 1-based): chr2:38,071,185, C>T on the plus strand (G>A on the coding strand, the complement: CYP1B1 is on the minus strand). VCF-style: chr2-38071185-C-T. GRCh37 (hg19) VCF-style: chr2-38298328-C-T.
Other names: p.Arg390His; NM_000104.4(CYP1B1):c.1169G>A; short protein forms R390H.
Identifiers: ClinVar variation 592512 (VCV000592512.32), dbSNP rs56010818, ClinGen allele CA1619846.
Genomic context (GRCh38, chr2:38,071,185, plus strand): 5'-AAGACAGAGGTGTTGGCAGTGGTGGCATGAGGAATAGTGACAGGCACAAAGCTGGAGAAG[C>T]GCATGGCTTCATAAAGGAAGGCCAGGACATAGGGCAGGTTGGGCTGGTCACCCATACAAG-3'
Protein context (NP_000095.2, residues 380-400): YVLAFLYEAM[Arg390His]FSSFVPVTIP

ClinVar aggregate classification (germline): Pathogenic. Review status: reviewed by expert panel (3 of 4 stars). 15 submissions from 14 submitters: Pathogenic (1). 14 of the submissions do not count toward it. Last evaluated 2025-11-19.

Conditions:
Congenital glaucoma. Identifiers: MedGen C0020302, MONDO:0020366.
Anterior segment dysgenesis 6 (ASGD6). Also called: Anterior segment dysgenesis 6, multiple subtypes. Identifiers: MedGen C4310623, MONDO:0015016, OMIM 617315.
Primary congenital glaucoma. Also called: Primary congenital glaucoma (disease). Identifiers: MedGen C1533041, MONDO:0000365, HP:0008007.
Glaucoma 3A. Also called: Glaucoma 3, primary congenital, A. Identifiers: Orphanet 98976, Orphanet 98977, MedGen C1856439, MONDO:0009277, OMIM 231300.
CYP1B1-related glaucoma with or without anterior segment dysgenesis. Identifiers: MedGen CN375931, MONDO:0800472.

Allele frequency attached by ClinVar (database versions not stated): gnomAD exomes 0.00004 and 0.00009; TOPMed 0.00005; gnomAD 0.00007 and 0.00008; ExAC 0.00015.

Submissions 1 to 9 of 15:

ClinGen Glaucoma Variant Curation Expert Panel
Classification: Pathogenic for CYP1B1-related glaucoma with or without anterior segment dysgenesis. Last evaluated: 2025-11-19. Review status: reviewed by expert panel. Criteria: ClinGen CYP1B1 ACMG Specifications V1 Approved. Collection method: curation. Allele origin: germline. Inheritance: Autosomal recessive inheritance.
Comment: The c.1169G>A variant in CYP1B1 is a missense variant predicted to cause substitution of Arginine by Histidine at amino acid 390 (p.Arg390His). The highest minor allele frequency of this variant was in the South Asian genetic ancestry group of gnomAD (v4.1.0) = 0.0002635 (24 alleles out of 91,084), which met the ≤ 0.0005 threshold set for PM2_Supporting in a genetic ancestry group of at least 2,000 alleles. The REVEL score = 0.982, which met the ≥ 0.932 threshold for PP3_Strong, predicting a damaging effect on CYP1B1 function. There was no functional evidence predicting a damaging or benign impact of this variant on CYP1B1 function. ≥3 affected segregations with a CYP1B1-related phenotype have been reported (PMID: 30820150), which fulfilled PP1_Strong. There were more family studies published than presented here. This variant has been identified in eight individuals with a CYP1B1-related phenotype. Six of these individuals are compound heterozygous for the variant and a pathogenic or likely pathogenic variant (phase unknown) (PMIDs: 21850185, 19247456, 19536304, 18852424, 17591938). Two individuals are homozygous (non-consanguineous) for the variant (PMID: 30270463). Total proband points = 4, meeting PM3_Very strong. There were more cases published than presented here. In summary, this variant met the criteria to receive a score of 17 and to be classified as pathogenic (pathogenic classification ≥ 10, adapted from PMID: 32720330) for CYP1B1-related glaucoma with or without anterior segment dysgenesis (ASD) based on the ACMG/AMP criteria met, as specified by the ClinGen Glaucoma VCEP (v1.0, 06.11.2025): PM3_Very strong, PP1_Strong, PP3_Strong, PM2_Supporting.

Baylor Genetics
Classification: Pathogenic for Anterior segment dysgenesis 6. Last evaluated: 2024-03-26. Review status: criteria provided, single submitter. Criteria: ACMG Guidelines, 2015. Collection method: clinical testing. Allele origin: unknown. Not counted in ClinVar's aggregate classification.

Labcorp Genetics (formerly Invitae), Labcorp
Classification: Pathogenic for Congenital glaucoma. Last evaluated: 2024-02-14. Review status: criteria provided, single submitter. Criteria: Invitae Variant Classification Sherloc (09022015). Collection method: clinical testing. Allele origin: germline. Not counted in ClinVar's aggregate classification.
Comment: This sequence change replaces arginine, which is basic and polar, with histidine, which is basic and polar, at codon 390 of the CYP1B1 protein (p.Arg390His). This variant is present in population databases (rs56010818, gnomAD 0.06%). This missense change has been observed in individual(s) with primary congenital glaucoma (PMID: 19536304, 27508083, 30108387). It has also been observed to segregate with disease in related individuals. ClinVar contains an entry for this variant (Variation ID: 592512). Advanced modeling of protein sequence and biophysical properties (such as structural, functional, and spatial information, amino acid conservation, physicochemical variation, residue mobility, and thermodynamic stability) performed at Invitae indicates that this missense variant is expected to disrupt CYP1B1 protein function with a positive predictive value of 80%. This variant disrupts the p.Arg390 amino acid residue in CYP1B1. Other variant(s) that disrupt this residue have been determined to be pathogenic (PMID: 15037581, 20664688; Invitae). This suggests that this residue is clinically significant, and that variants that disrupt this residue are likely to be disease-causing. For these reasons, this variant has been classified as Pathogenic.

Women's Health and Genetics/Laboratory Corporation of America, LabCorp
Classification: Pathogenic for Primary congenital glaucoma. Last evaluated: 2024-01-29. Review status: criteria provided, single submitter. Criteria: LabCorp Variant Classification Summary - May 2015. Collection method: clinical testing. Allele origin: germline. Not counted in ClinVar's aggregate classification.
Comment: Variant summary: CYP1B1 c.1169G>A (p.Arg390His) results in a non-conservative amino acid change in the encoded protein sequence. Five of five in-silico tools predict a damaging effect of the variant on protein function. The variant allele was found at a frequency of 9.2e-05 in 249616 control chromosomes (gnomAD). This frequency is not significantly higher than estimated for a pathogenic variant in CYP1B1 causing Primary Congenital Glaucoma (9.2e-05 vs 0.0043), allowing no conclusion about variant significance. c.1169G>A has been reported in the literature as a biallelic genotype in many individuals affected with Primary Congenital Glaucoma and has been found to segregate with disease in multiple families (e.g. Sheikh_2014, Chitsazian_2007). These data indicate that the variant is very likely to be associated with disease. The following publications have been ascertained in the context of this evaluation (PMID: 17591938, 25018621). ClinVar contains an entry for this variant (Variation ID: 592512). Based on the evidence outlined above, the variant was classified as pathogenic.

Foundation for Research in Genetics and Endocrinology, FRIGE's Institute of Human Genetics
Classification: Likely pathogenic for Anterior segment dysgenesis 6. Last evaluated: 2023-11-16. Review status: criteria provided, single submitter. Criteria: ACMG Guidelines, 2015. Collection method: clinical testing. Allele origin: germline. Inheritance: Autosomal recessive inheritance. Affected: yes. Observed: 1 homozygote. Not counted in ClinVar's aggregate classification.
Comment: A homozygous missense variant in exon 3 of the CYP1B1 gene that results in the amino acid substitution of Histidine for Arginine at codon 390 (p.Arg390His) was detected. The observed variant has previously been reported in patients affected with congenital glaucoma [PMID: 9497261]. This variant has not been reported in the 1000 genomes databases and has a minor allele frequency of 0.006%, 0.009% and 0.004% in the gnomAD (v3.1), gnomdAD (v2.1) and topmed databases respectively. The in-silico prediction of the variant are probably damaging by PolyPhen-2 (HumDiv), damaging by SIFT and LRT. The reference codon is conserved across species. In summary, the variant meets our criteria to be classified as likely pathogenic.

Revvity Omics, Revvity
Classification: Pathogenic. Last evaluated: 2023-10-19. Review status: criteria provided, single submitter. Criteria: ACMG Guidelines, 2015. Collection method: clinical testing. Allele origin: germline. Not counted in ClinVar's aggregate classification.

Department of Paediatric Medicine, Post Graduation Institute of Medical Education and Research
Classification: Pathogenic for Anterior segment dysgenesis 6. Last evaluated: 2023-08-31. Review status: criteria provided, single submitter. Criteria: ACMG Guidelines, 2015. Collection method: clinical testing. Allele origin: inherited. Inheritance: Autosomal recessive inheritance. Affected: yes. Observed: 1 variant allele, 1 homozygote. Not counted in ClinVar's aggregate classification.
Comment: This variant is not present in gnomad. PM1+PM2+PP3+PP5

Neuberg Centre For Genomic Medicine, NCGM
Classification: Pathogenic for Glaucoma 3A. Last evaluated: 2023-05-20. Review status: criteria provided, single submitter. Criteria: ACMG Guidelines, 2015. Collection method: clinical testing. Allele origin: germline. Inheritance: Autosomal recessive inheritance. Affected: yes. Not counted in ClinVar's aggregate classification.
Comment: The observed missense c.1169G>A(p.Arg390His) variant in CYP1B1 gene has been reported in homozygous or compound heterozygous state in individuals affected with primary congenital glaucoma (Rauf B, et. al., 2016; Su CC, et. al., 2012). This variant is present with an allele frequency of 0.009% in gnomAD Exomes database. This variant has been submitted to the ClinVar database as Likely pathogenic/Pathogenic (multiple submissions). Multiple lines of computational evidence ( SIFT - damaging and MutationTaster - disease causing) predict a damaging effect on protein structure and function for this variant. The amino acid change p.Arg390His in CYP1B1 is predicted as conserved by GERP++ and PhyloP across 100 vertebrates. The amino acid Arg at position 390 is changed to a His changing protein sequence and it might alter its composition and physico-chemical properties. For these reasons, this variant has been classified as Pathogenic.

GeneDx
Classification: Pathogenic. Last evaluated: 2022-07-26. Review status: criteria provided, single submitter. Criteria: GeneDx Variant Classification Process June 2021. Collection method: clinical testing. Allele origin: germline. Affected: yes. Not counted in ClinVar's aggregate classification.
Comment: In silico analysis, which includes protein predictors and evolutionary conservation, supports a deleterious effect; This variant is associated with the following publications: (PMID: 30820150, 25527694, 27508083, 19536304, 31236345, 29903728, 22878448, 19204079, 30108387, 30270463, 29540704, 34019190, 32830442, 19247456, 9497261, 25018621, 15475877)